The following is an entry in ClinVar:

ClinVar aggregate classification (germline): Uncertain significance (1 of 4 stars; one submission).

gnomAD v4.1: 8 of 1,614,216 alleles (0.0005%); highest among the groups gnomAD compares: Non-Finnish European, 0.00068%; no homozygotes.

Submission:

Labcorp Genetics (formerly Invitae), Labcorp
Classification: Uncertain significance. Last evaluated: 2022-06-18. Review status: criteria provided, single submitter. Criteria: Invitae Variant Classification Sherloc (09022015). Collection method: clinical testing. Allele origin: germline.
Comment: This variant is present in population databases (no rsID available, gnomAD 0.0009%). This sequence change replaces glutamic acid, which is acidic and polar, with glutamine, which is neutral and polar, at codon 1171 of the GPR179 protein (p.Glu1171Gln). In summary, the available evidence is currently insufficient to determine the role of this variant in disease. Therefore, it has been classified as a Variant of Uncertain Significance. Algorithms developed to predict the effect of missense changes on protein structure and function are either unavailable or do not agree on the potential impact of this missense change (SIFT: "Deleterious"; PolyPhen-2: "Possibly Damaging"; Align-GVGD: "Class C0"). This variant has not been reported in the literature in individuals affected with GPR179-related conditions.

NM_001004334.4(GPR179):c.3511G>C (p.Glu1171Gln)

Gene: GPR179 (G protein-coupled receptor 179; minus strand). Cytogenetic location: 17q12.
Variant type: single nucleotide variant.
Coding change: c.3511G>C on transcript NM_001004334.4 (MANE Select); coding-DNA position 3511, G replaced by C.
Protein change: p.Glu1171Gln; replaces glutamic acid 1171 with glutamine.
Molecular consequence: missense variant.
Genome position (GRCh38, 1-based): chr17:38,330,058, C>G on the plus strand (G>C on the coding strand, the complement: GPR179 is on the minus strand). VCF-style: chr17-38330058-C-G. GRCh37 (hg19) VCF-style: chr17-36485941-C-G.
Other names: short protein forms E1171Q.
Identifiers: ClinVar variation 1928006 (VCV001928006.5), dbSNP rs1327592175, ClinGen allele CA398879505.